The following is an entry in ClinVar:

NM_001160148.2(DDHD1):c.1013-128A>G

Gene: DDHD1 (DDHD domain containing 1; minus strand). Cytogenetic location: 14q22.1.
Variant type: single nucleotide variant.
Coding change: c.1013-128A>G on transcript NM_001160148.2 (MANE Select); 128 bases into the intron before coding-DNA position 1013, A replaced by G.
Molecular consequence: intron variant.
Genome position (GRCh38, 1-based): chr14:53,093,572, T>C on the plus strand (A>G on the coding strand, the complement: DDHD1 is on the minus strand). VCF-style: chr14-53093572-T-C. GRCh37 (hg19) VCF-style: chr14-53560290-T-C.
Other names: c.1013-128A>G (NM_030637.3); c.1034-128A>G (NM_001160147.2).
Identifiers: ClinVar variation 676115 (VCV000676115.2), dbSNP rs17126117, ClinGen allele CA15818324.
Genomic context (GRCh38, chr14:53,093,572, plus strand): 5'-ACACTCAGATTTTAAAATCAATATGTTATCTAAAAAACTCAGATATGGAACTTAATTCAA[T>C]AAAACACTATTTCACATAAAAAAAGTTATGTGAAGCAAGTAATGGATAGGGACTTTATTT-3'

ClinVar aggregate classification (germline): Benign. Review status: criteria provided, multiple submitters, no conflicts (2 of 4 stars). 2 submissions from 2 submitters: Benign (2). Last evaluated 2018-06-16.

Allele frequency attached by ClinVar (database versions not stated): gnomAD 0.04423 and 0.04759; TOPMed 0.05168; 1000 Genomes Project 30x 0.07199; 1000 Genomes Project 0.07468.
gnomAD v4.1: 51,701 of 1,206,566 alleles (4.3%); highest among the groups gnomAD compares: Admixed American, 15%; 1,814 homozygotes.

Submissions (2):

GeneDx
Classification: Benign. Last evaluated: 2018-06-16. Review status: criteria provided, single submitter. Criteria: GeneDx Variant Classification (06012015). Collection method: clinical testing. Allele origin: germline. Affected: yes.
Comment: This variant is considered likely benign or benign based on one or more of the following criteria: it is a conservative change, it occurs at a poorly conserved position in the protein, it is predicted to be benign by multiple in silico algorithms, and/or has population frequency not consistent with disease.

Breakthrough Genomics
Classification: Benign. Review status: criteria provided, single submitter. Criteria: ACMG Guidelines, 2015. Collection method: not provided. Allele origin: germline. Inheritance: Autosomal recessive inheritance. Affected: yes.